The following is an entry in ClinVar:

NM_000256.3(MYBPC3):c.2629G>C (p.Ala877Pro)

Gene: MYBPC3 (myosin binding protein C3; minus strand). Cytogenetic location: 11p11.2.
Variant type: single nucleotide variant.
Coding change: c.2629G>C on transcript NM_000256.3 (MANE Select); coding-DNA position 2629, G replaced by C.
Protein change: p.Ala877Pro; replaces alanine 877 with proline.
Molecular consequence: missense variant.
Genome position (GRCh38, 1-based): chr11:47,335,985, C>G on the plus strand (G>C on the coding strand, the complement: MYBPC3 is on the minus strand). VCF-style: chr11-47335985-C-G. GRCh37 (hg19) VCF-style: chr11-47357536-C-G.
Other names: short protein forms A877P.
Identifiers: ClinVar variation 3766765 (VCV003766765.2).

ClinVar aggregate classification (germline): Uncertain significance. Review status: criteria provided, multiple submitters, no conflicts (2 of 4 stars). 2 submissions from 2 submitters: Uncertain significance (2). Last evaluated 2026-06-12.

Conditions:
Cardiovascular phenotype. Identifiers: MedGen CN230736.

Submissions (2):

Ambry Genetics
Classification: Uncertain significance for Cardiovascular phenotype. Last evaluated: 2026-06-12. Review status: criteria provided, single submitter. Criteria: Ambry Variant Classification Scheme 2023. Collection method: clinical testing. Allele origin: germline.
Comment: The p.A877P variant (also known as c.2629G>C), located in coding exon 26 of the MYBPC3 gene, results from a G to C substitution at nucleotide position 2629. The alanine at codon 877 is replaced by proline, an amino acid with highly similar properties. This amino acid position is conserved. In addition, this alteration is predicted to be tolerated by in silico analysis. Based on the available evidence, the clinical significance of this variant remains unclear.

ARUP Laboratories, Molecular Genetics and Genomics, ARUP Laboratories
Classification: Uncertain significance. Last evaluated: 2023-12-21. Review status: criteria provided, single submitter. Criteria: ARUP Molecular Germline Variant Investigation Process 2024. Collection method: clinical testing. Allele origin: germline.
Comment: The MYBPC3 c.2629G>C; p.Ala877Pro variant, to our knowledge, is not reported in the medical literature or gene specific databases. This variant is also absent from the Genome Aggregation Database (v2.1.1), indicating it is not a common polymorphism. Computational analyses predict that this variant is neutral (REVEL: 0.112). Due to limited information, the clinical significance of this variant is uncertain at this time.